The following is an entry in ClinVar:

ClinVar aggregate classification (germline): Uncertain significance. Review status: criteria provided, multiple submitters, no conflicts (2 of 4 stars). 2 submissions from 2 submitters: Uncertain significance (2). Last evaluated 2025-07-14.

Allele frequency attached by ClinVar (database versions not stated): gnomAD 0.00001; gnomAD exomes 0.00001; TOPMed 0.00001; ExAC 0.00002; 1000 Genomes Project 30x 0.00016; 1000 Genomes Project 0.00020.

Submissions (2):

Labcorp Genetics (formerly Invitae), Labcorp
Classification: Uncertain significance. Last evaluated: 2025-07-14. Review status: criteria provided, single submitter. Criteria: Invitae Variant Classification Sherloc (09022015). Collection method: clinical testing. Allele origin: germline.
Comment: This sequence change replaces serine, which is neutral and polar, with asparagine, which is neutral and polar, at codon 367 of the MAP3K7 protein (p.Ser367Asn). This variant is present in population databases (rs542958423, gnomAD 0.01%). This variant has not been reported in the literature in individuals affected with MAP3K7-related conditions. ClinVar contains an entry for this variant (Variation ID: 3067319). An algorithm developed to predict the effect of missense changes on protein structure and function (PolyPhen-2) suggests that this variant is likely to be tolerated. In summary, the available evidence is currently insufficient to determine the role of this variant in disease. Therefore, it has been classified as a Variant of Uncertain Significance.

CeGaT Center for Human Genetics Tuebingen
Classification: Uncertain significance. Last evaluated: 2024-03-01. Review status: criteria provided, single submitter. Criteria: CeGaT Center For Human Genetics Tuebingen Variant Classification Criteria Version 2. Collection method: clinical testing. Allele origin: germline. Affected: yes. Observed: 1 variant allele.

NM_145331.3(MAP3K7):c.1100G>A (p.Ser367Asn)

Gene: MAP3K7 (mitogen-activated protein kinase kinase kinase 7; minus strand). Cytogenetic location: 6q15.
Variant type: single nucleotide variant.
Coding change: c.1100G>A on transcript NM_145331.3 (MANE Select); coding-DNA position 1100, G replaced by A.
Protein change: p.Ser367Asn; replaces serine 367 with asparagine.
Molecular consequence: missense variant.
Genome position (GRCh38, 1-based): chr6:90,547,368, C>T on the plus strand (G>A on the coding strand, the complement: MAP3K7 is on the minus strand). VCF-style: chr6-90547368-C-T. GRCh37 (hg19) VCF-style: chr6-91257087-C-T.
Other names: c.1100G>A, p.Ser367Asn (NM_003188.4, NM_145332.3, NM_145333.3); short protein forms S367N.
Identifiers: ClinVar variation 3067319 (VCV003067319.23), dbSNP rs542958423, ClinGen allele CA3928470.